The following is an entry in ClinVar:

NM_152415.3(VPS37A):c.526G>A (p.Ala176Thr)

Gene: VPS37A (VPS37A subunit of ESCRT-I; plus strand). Cytogenetic location: 8p22.
Variant type: single nucleotide variant.
Coding change: c.526G>A on transcript NM_152415.3 (MANE Select); coding-DNA position 526, G replaced by A.
Protein change: p.Ala176Thr; replaces alanine 176 with threonine.
Molecular consequence: missense variant.
Genome position (GRCh38, 1-based): chr8:17,274,842, G>A. VCF-style: chr8-17274842-G-A. GRCh37 (hg19) VCF-style: chr8-17132351-G-A.
Other names: c.451G>A, p.Ala151Thr (NM_001145152.2); c.526G>A, p.Ala176Thr (NM_001363167.1, NM_001363173.2); c.256G>A, p.Ala86Thr (NM_001363168.1, NM_001363169.1, NM_001363170.1 and 2 more transcripts); short protein forms A151T, A86T, A176T.
Identifiers: ClinVar variation 844222 (VCV000844222.6), dbSNP rs1346953622, ClinGen allele CA370401341.
Genomic context (GRCh38, chr8:17,274,842, plus strand): 5'-CCATTTCTTCCTCCATATCCTCCACAAGAAGCAAACAGGAGTATCACTTCTTTATCTGTT[G>A]CTGACACTGTTTCTTCTTCAACAACAAGTCATACCACAGCCAAGCCTGCCGCTCCTTCAT-3'
Protein context (NP_689628.2, residues 166-186): ANRSITSLSV[Ala176Thr]DTVSSSTTSH

ClinVar aggregate classification (germline): Uncertain significance (1 of 4 stars; one submission).

Conditions:
Hereditary spastic paraplegia 53. Also called: Spastic paraplegia 53, autosomal recessive. Identifiers: Orphanet 319199, MedGen C3539494, MONDO:0013962, OMIM 614898.

Allele frequency attached by ClinVar (database versions not stated): TOPMed 0.00001.
gnomAD v4.1: 3 of 1,613,884 alleles (0.00019%); highest among the groups gnomAD compares: Non-Finnish European, 0.00025%; no homozygotes.

Submission:

Labcorp Genetics (formerly Invitae), Labcorp
Classification: Uncertain significance for Hereditary spastic paraplegia 53. Last evaluated: 2019-03-30. Review status: criteria provided, single submitter. Criteria: Invitae Variant Classification Sherloc (09022015). Collection method: clinical testing. Allele origin: germline.
Comment: In summary, the available evidence is currently insufficient to determine the role of this variant in disease. Therefore, it has been classified as a Variant of Uncertain Significance. Algorithms developed to predict the effect of missense changes on protein structure and function output the following: SIFT: "Tolerated"; PolyPhen-2: "Benign"; Align-GVGD: "Class C0". The threonine amino acid residue is found in multiple mammalian species, suggesting that this missense change does not adversely affect protein function. These predictions have not been confirmed by published functional studies and their clinical significance is uncertain. This variant has not been reported in the literature in individuals with VPS37A-related conditions. This variant is not present in population databases (ExAC no frequency). This sequence change replaces alanine with threonine at codon 176 of the VPS37A protein (p.Ala176Thr). The alanine residue is moderately conserved and there is a small physicochemical difference between alanine and threonine.